The following is an entry in ClinVar:

ClinVar aggregate classification (germline): Likely benign (1 of 4 stars; one submission).

Submission:

CeGaT Center for Human Genetics Tuebingen
Classification: Likely benign. Last evaluated: 2025-12-01. Review status: criteria provided, single submitter. Criteria: CeGaT Center For Human Genetics Tuebingen Variant Classification Criteria Version 2. Collection method: clinical testing. Allele origin: germline. Affected: yes. Observed: 2 variant alleles.
Comment: PRB2: PM2:Supporting, BP4, BP7

NM_006248.4(PRB2):c.705C>T (p.Ala235=)

Gene: PRB2 (proline rich protein BstNI subfamily 2). Cytogenetic location: 12p13.2.
Variant type: single nucleotide variant.
Coding change: c.705C>T on transcript NM_006248.4 (MANE Select); coding-DNA position 705, C replaced by T.
Protein change: p.Ala235=; no amino-acid change (alanine 235 retained).
Molecular consequence: synonymous variant.
Genome position (GRCh38, 1-based): chr12:11,393,373, G>A on the plus strand (C>T on the coding strand, the complement: PRB2 is on the minus strand). VCF-style: chr12-11393373-G-A. GRCh37 (hg19) VCF-style: chr12-11546307-G-A.
Identifiers: ClinVar variation 4280974 (VCV004280974.7).